The following is an entry in ClinVar:

NM_005475.3(SH2B3):c.241G>C (p.Asp81His)

Gene: SH2B3 (SH2B adaptor protein 3; plus strand). Cytogenetic location: 12q24.12.
Variant type: single nucleotide variant.
Coding change: c.241G>C on transcript NM_005475.3 (MANE Select); coding-DNA position 241, G replaced by C.
Protein change: p.Asp81His; replaces aspartic acid 81 with histidine.
Molecular consequence: missense variant.
Genome position (GRCh38, 1-based): chr12:111,418,386, G>C. VCF-style: chr12-111418386-G-C. GRCh37 (hg19) VCF-style: chr12-111856190-G-C.
Other names: short protein forms D81H.
Identifiers: ClinVar variation 4164000 (VCV004164000.1).

ClinVar aggregate classification (germline): Uncertain significance (1 of 4 stars; one submission).

Conditions:
Inborn genetic diseases. Identifiers: MedGen C0950123, MeSH D030342.

Submission:

Ambry Genetics
Classification: Uncertain significance for Inborn genetic diseases. Last evaluated: 2025-08-21. Review status: criteria provided, single submitter. Criteria: Ambry Variant Classification Scheme 2023. Collection method: clinical testing. Allele origin: germline.
Comment: The p.D81H variant (also known as c.241G>C), located in coding exon 1 of the SH2B3 gene, results from a G to C substitution at nucleotide position 241. The aspartic acid at codon 81 is replaced by histidine, an amino acid with similar properties. This amino acid position is conserved. In addition, this alteration is predicted to be tolerated by in silico analysis. Based on the available evidence, the clinical significance of this variant remains unclear.